The following is an entry in ClinVar:

ClinVar aggregate classification (germline): Benign/Likely benign. Review status: criteria provided, multiple submitters, no conflicts (2 of 4 stars). 5 submissions from 5 submitters: Benign (1); Likely benign (3). 1 of the submissions does not count toward it. Last evaluated 2025-06-23.

Conditions:
HK1-related disorder. Also called: HK1-related condition; HK1-related disorders.
Retinal dystrophy. Also called: Inherited retinal dystrophy. Identifiers: Orphanet 71862, MedGen C0854723, MeSH D058499, MONDO:0019118, HP:0000556.

Allele frequency attached by ClinVar (database versions not stated): gnomAD exomes 0.00005 and 0.00011; gnomAD 0.00006 and 0.00007; TOPMed 0.00007; ExAC 0.00009.
gnomAD v4.1: 83 of 1,614,154 alleles (0.0051%); highest among the groups gnomAD compares: Admixed American, 0.03%; no homozygotes.

Submissions (5):

Mayo Clinic Laboratories, Mayo Clinic
Classification: Likely benign. Last evaluated: 2025-06-23. Review status: criteria provided, single submitter. Criteria: ACMG Guidelines, 2015. Collection method: clinical testing. Allele origin: germline. Observed: 1 variant allele.
Comment: BP4, PM2_supporting

Labcorp Genetics (formerly Invitae), Labcorp
Classification: Likely benign. Last evaluated: 2024-10-29. Review status: criteria provided, single submitter. Criteria: Invitae Variant Classification Sherloc (09022015). Collection method: clinical testing. Allele origin: germline.

Blueprint Genetics
Classification: Likely benign. Last evaluated: 2024-02-27. Review status: criteria provided, single submitter. Criteria: ACMG Guidelines, 2015. Collection method: clinical testing. Allele origin: germline.

Dept Of Ophthalmology, Nagoya University
Classification: Benign for Retinal dystrophy. Last evaluated: 2023-10-01. Review status: criteria provided, single submitter. Criteria: Submitter's publication. Collection method: research. Allele origin: germline. Affected: yes.

PreventionGenetics, part of Exact Sciences
Classification: Likely benign for HK1-related condition. Last evaluated: 2020-08-25. Review status: no assertion criteria provided. Collection method: clinical testing. Allele origin: germline. Not counted in ClinVar's aggregate classification.
Comment: This variant is classified as likely benign based on ACMG/AMP sequence variant interpretation guidelines (Richards et al. 2015 PMID: 25741868, with internal and published modifications).

NM_000188.3(HK1):c.2703C>T (p.Ala901=)

Gene: HK1 (hexokinase 1; plus strand). Cytogenetic location: 10q22.1.
Variant type: single nucleotide variant.
Coding change: c.2703C>T on transcript NM_000188.3 (MANE Select); coding-DNA position 2703, C replaced by T.
Protein change: p.Ala901=; no amino-acid change (alanine 901 retained).
Molecular consequence: synonymous variant.
Genome position (GRCh38, 1-based): chr10:69,401,084, C>T. VCF-style: chr10-69401084-C-T. GRCh37 (hg19) VCF-style: chr10-71160840-C-T.
Other names: p.Ala901=; c.2715C>T, p.Ala905= (NM_001322364.2, NM_001358263.1, NM_033497.3 and 1 more transcripts); c.2808C>T, p.Ala936= (NM_001322365.2); c.2619C>T, p.Ala873= (NM_001322366.1); c.2607C>T, p.Ala869= (NM_001322367.1); c.2700C>T, p.Ala900= (NM_033496.3); c.2667C>T, p.Ala889= (NM_033500.2); c.2703C>T (NM_000188.2).
Identifiers: ClinVar variation 1126724 (VCV001126724.14), dbSNP rs777452969, ClinGen allele CA5532918.
Genomic context (GRCh38, chr10:69,401,084, plus strand): 5'-ACTGTCACCAAAATGTAACGTGTCCTTCCTCCTGTCTGAGGATGGCAGCGGCAAGGGGGC[C>T]GCCCTCATCACGGCCGTGGGCGTGCGGTTACGCACAGAGGCAAGCAGCTAAGAGTCCGGG-3'
Protein context (NP_000179.2, residues 891-911): LLSEDGSGKG[Ala901=]ALITAVGVRL